The following is an entry in ClinVar:

ClinVar aggregate classification (germline): Likely pathogenic. Review status: criteria provided, multiple submitters, no conflicts (2 of 4 stars). 3 submissions from 3 submitters: Likely pathogenic (3). Last evaluated 2025-05-13.

Conditions:
Cardiovascular phenotype. Identifiers: MedGen CN230736.
Dilated cardiomyopathy 1G (CMD1G). Identifiers: Orphanet 154, MedGen C1858763, MONDO:0011400, OMIM 604145.
Autosomal recessive limb-girdle muscular dystrophy type 2J (LGMDR10). Also called: MUSCULAR DYSTROPHY, LIMB-GIRDLE, AUTOSOMAL RECESSIVE 10; Limb-girdle muscular dystrophy, type 2J. Identifiers: Orphanet 140922, MedGen C1837342, MONDO:0012127, OMIM 608807.

Submissions (3):

Ambry Genetics
Classification: Likely pathogenic for Cardiovascular phenotype. Last evaluated: 2025-05-13. Review status: criteria provided, single submitter. Criteria: Ambry Variant Classification Scheme 2023. Collection method: clinical testing. Allele origin: germline.
Comment: The c.41800delA (p.T13934Pfs*35) alteration, located in exon 152 (coding exon 151) of the TTN gene, consists of a deletion of one nucleotide at position 41800, causing a translational frameshift with a predicted alternate stop codon after 35 amino acids. This variant is expected to result in loss of function by premature protein truncation or nonsense-mediated mRNA decay. This variant was not reported in population-based cohorts in the Genome Aggregation Database (gnomAD). This exon is located in the A-band region of the N2-B isoform of the titin protein and is constitutively expressed in TTN transcripts (percent spliced in or PSI 100%). While truncating variants in TTN are present in 1-3% of the general population, truncating variants in the A-band are the most common cause of dilated cardiomyopathy (Herman, 2012; Roberts, 2015). TTN truncating variants encoded in constitutive exons (PSI >90%) have been found to be significantly associated with DCM regardless of their position in titin (Schafer, 2017; Akhtar, 2020; Massier, 2025). Based on the available evidence, this alteration is classified as likely pathogenic.

Labcorp Genetics (formerly Invitae), Labcorp
Classification: Likely pathogenic for Dilated cardiomyopathy 1G; Autosomal recessive limb-girdle muscular dystrophy type 2J. Last evaluated: 2024-09-11. Review status: criteria provided, single submitter. Criteria: Invitae Variant Classification Sherloc (09022015). Collection method: clinical testing. Allele origin: germline.
Comment: This sequence change creates a premature translational stop signal (p.Thr22999Profs*35) in the TTN gene. While this is not anticipated to result in nonsense mediated decay, it is expected to create a truncated TTN protein. This variant is not present in population databases (gnomAD no frequency). This variant has not been reported in the literature in individuals affected with TTN-related conditions. ClinVar contains an entry for this variant (Variation ID: 423378). This variant is located in the A band of TTN (PMID: 25589632). Truncating variants in this region are significantly overrepresented in patients affected with dilated cardiomyopathy (PMID: 25589632). Truncating variants in this region have also been reported in individuals affected with autosomal recessive centronuclear myopathy (PMID: 23975875). In summary, the currently available evidence indicates that the variant is pathogenic, but additional data are needed to prove that conclusively. Therefore, this variant has been classified as Likely Pathogenic.

GeneDx
Classification: Likely pathogenic. Last evaluated: 2017-02-01. Review status: criteria provided, single submitter. Criteria: GeneDx Variant Classification (06012015). Collection method: clinical testing. Allele origin: germline. Affected: yes.
Comment: The c.64072delA likely pathogenic variant in the TTN gene has not been reported previously as a pathogenic variant or as a benign variant, to our knowledge. This variant causes a shift in reading frame starting at codon threonine 21358, changing it to a proline, and creating a premature stop codon at position 35 of the new reading frame, denoted p.Thr21358ProfsX35. This likely pathogenic variant is expected to result in either an abnormal, truncated protein product or loss of protein from this allele through nonsense-mediated mRNA decay. Other truncating TTN variants have been reported in approximately 3% of control alleles (Herman et al., 2012). However, c.64072delA is located in the A-band region of titin, where the majority of truncating pathogenic variants associated with DCM have been reported (Herman et al., 2012). Furthermore, this variant is not observed in large population cohorts (Lek et al., 2016; Exome Variant Server).

Literature cited by the submitters: PubMed 22335739 (cited by Ambry Genetics); PubMed 25589632 (cited by Ambry Genetics and Labcorp Genetics (formerly Invitae), Labcorp); PubMed 27869827 (cited by Ambry Genetics); PubMed 32964742 (cited by Ambry Genetics); PubMed 39844436 (cited by Ambry Genetics); PubMed 23975875 (cited by Labcorp Genetics (formerly Invitae), Labcorp).

NM_001267550.2(TTN):c.68995del (p.Thr22999fs)

Genes: TTN (titin; minus strand), TTN-AS1 (TTN antisense RNA 1; plus strand). Cytogenetic location: 2q31.2.
Variant type: Deletion.
Coding change: c.68995del on transcript NM_001267550.2 (MANE Select); coding-DNA position 68995, one base deleted (A; older notation c.68995delA).
Protein change: p.Thr22999fs; shifts the reading frame from threonine 22999.
Molecular consequence: frameshift variant.
Genome position (GRCh38, 1-based): chr2:178,577,340, T deleted on the plus strand (A on the coding strand, the reverse complement: TTN is on the minus strand); the first of 2 consecutive T bases (chr2:178,577,340-178,577,341); deleting either gives the same sequence. VCF-style (leftmost placement, unchanged base first): chr2-178577339-GT-G. GRCh37 (hg19) VCF-style: chr2-179442066-GT-G.
Other names: c.42376del, p.Thr14126fs (NM_133437.4); c.64072del, p.Thr21358fs (NM_001256850.1); c.41800del, p.Thr13934fs (NM_003319.4); c.61291del, p.Thr20431fs (NM_133378.4); c.42175del, p.Thr14059fs (NM_133432.3); c.64072delA (NM_001256850.1); c.41800delA (NM_003319.4); short protein forms T14126fs, T20431fs, T14059fs, T13934fs, T21358fs, T22999fs.
Identifiers: ClinVar variation 423378 (VCV000423378.8), dbSNP rs1064796389, ClinGen allele CA16617358.
Genomic context (GRCh38, chr2:178,577,339, plus strand): 5'-GTATATTCACCCGCATCTTTTCTAGTGGCATACTTGATAGTAAGCATGGAAGATGTTGGG[GT>G]TGAAGTTATCTGAGTGATATCTGATGGTCTAATGTCTTTTCCTGCCTTGGACCAACTTGA-3'